The following is an entry in ClinVar:

ClinVar aggregate classification (germline): Uncertain significance (1 of 4 stars; one submission).

Conditions:
Early Myoclonic Encephalopathy. Identifiers: MedGen C0270855.

Allele frequency attached by ClinVar (database versions not stated): ExAC 0.00002; gnomAD exomes 0.00001.
gnomAD v4.1: 5 of 1,614,068 alleles (0.00031%); highest among the groups gnomAD compares: Non-Finnish European, 0.00042%; no homozygotes.

Submission:

Labcorp Genetics (formerly Invitae), Labcorp
Classification: Uncertain significance for Early Myoclonic Encephalopathy. Last evaluated: 2023-06-24. Review status: criteria provided, single submitter. Criteria: Invitae Variant Classification Sherloc (09022015). Collection method: clinical testing. Allele origin: germline.
Comment: In summary, the available evidence is currently insufficient to determine the role of this variant in disease. Therefore, it has been classified as a Variant of Uncertain Significance. Advanced modeling of protein sequence and biophysical properties (such as structural, functional, and spatial information, amino acid conservation, physicochemical variation, residue mobility, and thermodynamic stability) performed at Invitae indicates that this missense variant is not expected to disrupt JMJD1C protein function. This variant has not been reported in the literature in individuals affected with JMJD1C-related conditions. This variant is present in population databases (rs753822479, gnomAD 0.003%). This sequence change replaces histidine, which is basic and polar, with tyrosine, which is neutral and polar, at codon 1338 of the JMJD1C protein (p.His1338Tyr).

NM_032776.3(JMJD1C):c.4012C>T (p.His1338Tyr)

Gene: JMJD1C (jumonji domain containing 1C; minus strand). Cytogenetic location: 10q21.3.
Variant type: single nucleotide variant.
Coding change: c.4012C>T on transcript NM_032776.3 (MANE Select); coding-DNA position 4012, C replaced by T.
Protein change: p.His1338Tyr; replaces histidine 1338 with tyrosine.
Molecular consequence: missense variant. On other transcripts: non-coding transcript variant (1).
Genome position (GRCh38, 1-based): chr10:63,207,657, G>A on the plus strand (C>T on the coding strand, the complement: JMJD1C is on the minus strand). VCF-style: chr10-63207657-G-A. GRCh37 (hg19) VCF-style: chr10-64967417-G-A.
Other names: c.3355C>T, p.His1119Tyr (NM_001322258.2, NM_001322254.2); c.3466C>T, p.His1156Tyr (NM_001282948.2, NM_001318154.2); c.3148C>T, p.His1050Tyr (NM_001318153.2); c.3898C>T, p.His1300Tyr (NM_001322252.2); short protein forms H1300Y, H1338Y, H1119Y, H1050Y, H1156Y.
Identifiers: ClinVar variation 3019305 (VCV003019305.3), dbSNP rs753822479, ClinGen allele CA5518345.